The following is an entry in ClinVar:

NM_000138.5(FBN1):c.5756G>C (p.Gly1919Ala)

Gene: FBN1 (fibrillin 1; minus strand). Cytogenetic location: 15q21.1.
Variant type: single nucleotide variant.
Coding change: c.5756G>C on transcript NM_000138.5 (MANE Select); coding-DNA position 5756, G replaced by C.
Protein change: p.Gly1919Ala; replaces glycine 1919 with alanine.
Molecular consequence: missense variant.
Genome position (GRCh38, 1-based): chr15:48,446,738, C>G on the plus strand (G>C on the coding strand, the complement: FBN1 is on the minus strand). VCF-style: chr15-48446738-C-G. GRCh37 (hg19) VCF-style: chr15-48738935-C-G.
Other names: short protein forms G1919A.
Identifiers: ClinVar variation 1303236 (VCV001303236.5), dbSNP rs2141250311, ClinGen allele CA392341135.

ClinVar aggregate classification (germline): Uncertain significance. Review status: criteria provided, multiple submitters, no conflicts (2 of 4 stars). 2 submissions from 2 submitters: Uncertain significance (2). Last evaluated 2023-05-18.

Conditions:
Familial thoracic aortic aneurysm and aortic dissection (TAAD). Also called: Thoracic aortic aneurysms and dissections. Identifiers: Orphanet 91387, MedGen C4707243, MONDO:0019625.

Submissions (2):

GeneDx
Classification: Uncertain significance. Last evaluated: 2023-05-18. Review status: criteria provided, single submitter. Criteria: GeneDx Variant Classification Process June 2021. Collection method: clinical testing. Allele origin: germline. Affected: yes.
Comment: Has not been previously published as pathogenic or benign to our knowledge; Not observed in large population cohorts (gnomAD); In silico analysis, which includes protein predictors and evolutionary conservation, supports a deleterious effect; Although located in a calcium-binding EGF-like domain of the FBN1 gene, it does not affect a cysteine residue within this domain; cysteine substitutions in the calcium-binding EGF-like domains represent the majority of pathogenic missense changes associated with FBN1-related disorders (Collod-Beroud et al., 2003)

Ambry Genetics
Classification: Uncertain significance for Familial thoracic aortic aneurysm and aortic dissection. Last evaluated: 2021-06-10. Review status: criteria provided, single submitter. Criteria: Ambry Variant Classification Scheme 2023. Collection method: clinical testing. Allele origin: germline.
Comment: The p.G1919A variant (also known as c.5756G>C), located in coding exon 46 of the FBN1 gene, results from a G to C substitution at nucleotide position 5756. The glycine at codon 1919 is replaced by alanine, an amino acid with similar properties, and is located in the cbEGF-like #28 domain. This amino acid position is highly conserved in available vertebrate species. In addition, this alteration is predicted to be deleterious by in silico analysis. Since supporting evidence is limited at this time, the clinical significance of this alteration remains unclear.